The following is an entry in ClinVar:

NM_153717.3(EVC):c.163_166del (p.Thr55fs)

Gene: EVC (EvC ciliary complex subunit 1; plus strand). Cytogenetic location: 4p16.2.
Variant type: Deletion.
Coding change: c.163_166del on transcript NM_153717.3 (MANE Select); coding-DNA positions 163 to 166, 4 bases deleted (ACGC; older notation c.163_166delACGC).
Protein change: p.Thr55fs; shifts the reading frame from threonine 55.
Molecular consequence: frameshift variant.
Genome position (GRCh38, 1-based): chr4:5,711,543-5,711,546, ACGC deleted; deleting any 4 consecutive bases within chr4:5,711,540-5,711,546 gives the same sequence; the c. name uses the placement nearest the transcript's 3' end. VCF-style (leftmost placement, unchanged base first): chr4-5711539-GCGCA-G. GRCh37 (hg19) VCF-style: chr4-5713266-GCGCA-G.
Other names: c.163_166del, p.Thr55fs (NM_001306090.2, NM_001306092.2); short protein forms T55fs.
Identifiers: ClinVar variation 5012393 (VCV005012393.1).
Genomic context (GRCh38, chr4:5,711,539, plus strand): 5'-GCTGGGCGCCGCGCTCGGCCTCGGCCTCGGCCTTTGGCTTGGCTGCCGCGCGGGCCGCCA[GCGCA>G]CGCGACACCAGGTGGGTCGGCCGAGCAGACAGCGGCGGGGCGGGGAGCGCGGGGCGCGTG-3'

ClinVar aggregate classification (germline): Pathogenic (1 of 4 stars; one submission).

Conditions:
Ellis-van Creveld syndrome (EVC). Also called: MESOECTODERMAL DYSPLASIA; Chondroectodermal dysplasia. Identifiers: Orphanet 289, MedGen C0013903, MONDO:0009162, OMIM 225500.

Submission:

Myriad Genetics, Inc.
Classification: Pathogenic for Ellis-van Creveld syndrome. Last evaluated: 2023-10-14. Review status: criteria provided, single submitter. Criteria: Myriad Autosomal Dominant, Autosomal Recessive and X-Linked Classification Criteria (2023). Collection method: clinical testing. Allele origin: unknown.
Comment: NM_153717.2(EVC):c.163_166delACGC(T55Dfs*60) is expected to be pathogenic in the context of EVC-related Ellis-van Creveld syndrome. This variant is predicted to lead to an abnormal or absent protein product due to the creation of a premature termination codon in EVC, a gene where loss-of-function variants are known to be pathogenic. Please note: this variant was assessed in the context of healthy population screening.